The following is an entry in ClinVar:

ClinVar aggregate classification (germline): Likely benign (0 of 4 stars; one submission).

Conditions:
CREBBP-related disorder. Also called: CREBBP-related condition; CREBBP-related disorders.

gnomAD v4.1: 9 of 1,612,156 alleles (0.00056%); highest among the groups gnomAD compares: Non-Finnish European, 0.00076%; no homozygotes.

Submission:

PreventionGenetics, part of Exact Sciences
Classification: Likely benign for CREBBP-related condition. Last evaluated: 2022-01-13. Review status: no assertion criteria provided. Collection method: clinical testing. Allele origin: germline.
Comment: This variant is classified as likely benign based on ACMG/AMP sequence variant interpretation guidelines (Richards et al. 2015 PMID: 25741868, with internal and published modifications).

NM_004380.3(CREBBP):c.4980C>T (p.Leu1660=)

Gene: CREBBP (CREB binding lysine acetyltransferase; minus strand). Cytogenetic location: 16p13.3.
Variant type: single nucleotide variant.
Coding change: c.4980C>T on transcript NM_004380.3 (MANE Select); coding-DNA position 4980, C replaced by T.
Protein change: p.Leu1660=; no amino-acid change (leucine 1660 retained).
Molecular consequence: synonymous variant.
Genome position (GRCh38, 1-based): chr16:3,731,384, G>A on the plus strand (C>T on the coding strand, the complement: CREBBP is on the minus strand). VCF-style: chr16-3731384-G-A. GRCh37 (hg19) VCF-style: chr16-3781385-G-A.
Other names: c.4866C>T, p.Leu1622= (NM_001079846.1).
Identifiers: ClinVar variation 3358453 (VCV003358453.1).
Genomic context (GRCh38, chr16:3,731,384, plus strand): 5'-GGAGGAGAACTCCCAGTGCTTGTCTCTGGCGAGGGTGAGGAAGGCGTCGCGCCCATCCAT[G>A]AGGTCACAGCTGAGCAGGGGGTCGGGGTCGACGATGGGGGGCAGGGTGTTGATGACAGGC-3'
Protein context (NP_004371.2, residues 1650-1670): VDPDPLLSCD[Leu1660=]MDGRDAFLTL